The following is an entry in ClinVar:

NM_006947.4(SRP72):c.1840G>T (p.Asp614Tyr)

Gene: SRP72 (signal recognition particle 72; plus strand). Cytogenetic location: 4q12.
Variant type: single nucleotide variant.
Coding change: c.1840G>T on transcript NM_006947.4 (MANE Select); coding-DNA position 1840, G replaced by T.
Protein change: p.Asp614Tyr; replaces aspartic acid 614 with tyrosine.
Molecular consequence: missense variant. On other transcripts: non-coding transcript variant (1).
Genome position (GRCh38, 1-based): chr4:56,501,685, G>T. VCF-style: chr4-56501685-G-T. GRCh37 (hg19) VCF-style: chr4-57367851-G-T.
Other names: c.1657G>T, p.Asp553Tyr (NM_001267722.2); short protein forms D553Y, D614Y.
Identifiers: ClinVar variation 5030260 (VCV005030260.1).
Genomic context (GRCh38, chr4:56,501,685, plus strand): 5'-TTTTTATACTCTTCCTTCGTTGAATATATGAGTGACCAAAAATGATCTGATGATTTCAGG[G>T]ATGCCAGTAAAACTGTGAGCAGCCCACCCACCTCCCCAAGACCTGGCAGTGCTGCAACAG-3'
Protein context (NP_008878.3, residues 604-624): GATAGASSEL[Asp614Tyr]ASKTVSSPPT

ClinVar aggregate classification (germline): Uncertain significance (1 of 4 stars; one submission).

Submission:

Ambry Genetics
Classification: Uncertain significance. Last evaluated: 2026-08-28. Review status: criteria provided, single submitter. Criteria: Ambry Variant Classification Scheme 2023. Collection method: clinical testing. Allele origin: germline.
Comment: The p.D614Y variant (also known as c.1840G>T), located in coding exon 19 of the SRP72 gene, results from a G to T substitution at nucleotide position 1840. The aspartic acid at codon 614 is replaced by tyrosine, an amino acid with highly dissimilar properties. This amino acid position is conserved. In addition, this alteration is predicted to be deleterious by in silico analysis. Based on the available evidence, the clinical significance of this variant remains unclear.